The following is an entry in ClinVar:

NM_002528.7(NTHL1):c.342T>G (p.Ser114Arg)

Gene: NTHL1 (nth like DNA glycosylase 1; minus strand). Cytogenetic location: 16p13.3.
Variant type: single nucleotide variant.
Coding change: c.342T>G on transcript NM_002528.7 (MANE Select); coding-DNA position 342, T replaced by G.
Protein change: p.Ser114Arg; replaces serine 114 with arginine.
Molecular consequence: missense variant. On other transcripts: intron variant (1).
Genome position (GRCh38, 1-based): chr16:2,046,140, A>C on the plus strand (T>G on the coding strand, the complement: NTHL1 is on the minus strand). VCF-style: chr16-2046140-A-C. GRCh37 (hg19) VCF-style: chr16-2096141-A-C.
Other names: c.342T>G, p.Ser114Arg (NM_001318193.2); c.24+140T>G (NM_001318194.2); short protein forms S114R.
Identifiers: ClinVar variation 942462 (VCV000942462.10), dbSNP rs2084362839, ClinGen allele CA394295089.
Genomic context (GRCh38, chr16:2,046,140, plus strand): 5'-ACCTTGCTAAGATGGGGGGTCATCTGGGCAGATGGGGCCCCTGCCTACCTTTGGGGGGGC[A>C]CTGGAGTCATAGCAGTGCTCAGTCCCCAGATGGTCCACAGGTGCATCCTTTTTGTTCCTC-3'
Protein context (NP_002519.2, residues 104-124): HLGTEHCYDS[Ser114Arg]APPKVRRYQV

ClinVar aggregate classification (germline): Conflicting classifications of pathogenicity. Review status: criteria provided, conflicting classifications (1 of 4 stars). 2 submissions from 2 submitters: Uncertain significance (1); Likely benign (1). Last evaluated 2025-08-04.

Conditions:
Hereditary cancer-predisposing syndrome. Also called: Hereditary neoplastic syndrome; Neoplastic Syndromes, Hereditary; Tumor predisposition; Hereditary Cancer Syndrome. Identifiers: Orphanet 140162, MedGen C0027672, MeSH D009386, MONDO:0015356.

Allele frequency attached by ClinVar (database versions not stated): TOPMed below 0.00001.

Submissions (2):

Labcorp Genetics (formerly Invitae), Labcorp
Classification: Uncertain significance. Last evaluated: 2025-08-04. Review status: criteria provided, single submitter. Criteria: Invitae Variant Classification Sherloc (09022015). Collection method: clinical testing. Allele origin: germline.
Comment: This sequence change replaces serine, which is neutral and polar, with arginine, which is basic and polar, at codon 122 of the NTHL1 protein (p.Ser122Arg). This variant is not present in population databases (gnomAD no frequency). This variant has not been reported in the literature in individuals affected with NTHL1-related conditions. ClinVar contains an entry for this variant (Variation ID: 942462). An algorithm developed to predict the effect of missense changes on protein structure and function (PolyPhen-2) suggests that this variant is likely to be tolerated. In summary, the available evidence is currently insufficient to determine the role of this variant in disease. Therefore, it has been classified as a Variant of Uncertain Significance.

Ambry Genetics
Classification: Likely benign for Hereditary cancer-predisposing syndrome. Last evaluated: 2024-03-27. Review status: criteria provided, single submitter. Criteria: Ambry Variant Classification Scheme 2023. Collection method: clinical testing. Allele origin: germline.